The following is an entry in ClinVar:

ClinVar aggregate classification (germline): Uncertain significance (1 of 4 stars; one submission).

Conditions:
X-linked immunodeficiency with magnesium defect, Epstein-Barr virus infection and neoplasia. Identifiers: Orphanet 317476, MedGen C3275445, MONDO:0010455, OMIM 300853.

gnomAD v4.1: 1 of 1,210,832 alleles (0.000083%); highest among the groups gnomAD compares: African/African-American, 0.0017%; no homozygotes.

Submission:

Labcorp Genetics (formerly Invitae), Labcorp
Classification: Uncertain significance for X-linked immunodeficiency with magnesium defect, Epstein-Barr virus infection and neoplasia. Last evaluated: 2024-02-24. Review status: criteria provided, single submitter. Criteria: Invitae Variant Classification Sherloc (09022015). Collection method: clinical testing. Allele origin: germline.
Comment: This sequence change replaces alanine, which is neutral and non-polar, with threonine, which is neutral and polar, at codon 141 of the MAGT1 protein (p.Ala141Thr). This variant is not present in population databases (gnomAD no frequency). This variant has not been reported in the literature in individuals affected with MAGT1-related conditions. Advanced modeling of protein sequence and biophysical properties (such as structural, functional, and spatial information, amino acid conservation, physicochemical variation, residue mobility, and thermodynamic stability) performed at Invitae indicates that this missense variant is not expected to disrupt MAGT1 protein function with a negative predictive value of 80%. In summary, the available evidence is currently insufficient to determine the role of this variant in disease. Therefore, it has been classified as a Variant of Uncertain Significance.

NM_001367916.1(MAGT1):c.325G>A (p.Ala109Thr)

Gene: MAGT1 (magnesium transporter 1; minus strand). Cytogenetic location: Xq21.1.
Variant type: single nucleotide variant.
Coding change: c.325G>A on transcript NM_001367916.1 (MANE Select); coding-DNA position 325, G replaced by A.
Protein change: p.Ala109Thr; replaces alanine 109 with threonine.
Molecular consequence: missense variant.
Genome position (GRCh38, 1-based): chrX:77,870,873, C>T on the plus strand (G>A on the coding strand, the complement: MAGT1 is on the minus strand). VCF-style: chrX-77870873-C-T. GRCh37 (hg19) VCF-style: chrX-77126370-C-T.
Other names: c.421G>A, p.Ala141Thr (NM_032121.5); short protein forms A109T, A141T.
Identifiers: ClinVar variation 3681935 (VCV003681935.2).
Genomic context (GRCh38, chrX:77,870,873, plus strand): 5'-GAAATACATCAGAGCCTTCATCAAAATCCACCATGGCAAAAAATATCCTGTTGGTGAATG[C>T]ACTGGAGTATCGCCAGGAGTTTGCCAGGATCTGGAATTCTTCATCAGCTTGCCTGGATGC-3'
Protein context (NP_001354845.1, residues 99-119): ILANSWRYSS[Ala109Thr]FTNRIFFAMV